The following is an entry in ClinVar:

NM_201384.3(PLEC):c.3764T>A (p.Leu1255Gln)

Gene: PLEC (plectin; minus strand). Cytogenetic location: 8q24.3.
Variant type: single nucleotide variant.
Coding change: c.3764T>A on transcript NM_201384.3 (MANE Select); coding-DNA position 3764, T replaced by A.
Protein change: p.Leu1255Gln; replaces leucine 1255 with glutamine.
Molecular consequence: missense variant.
Genome position (GRCh38, 1-based): chr8:143,927,328, A>T on the plus strand (T>A on the coding strand, the complement: PLEC is on the minus strand). VCF-style: chr8-143927328-A-T. GRCh37 (hg19) VCF-style: chr8-145001496-A-T.
Other names: c.3845T>A, p.Leu1282Gln (NM_000445.5, NM_001410941.1); c.3722T>A, p.Leu1241Gln (NM_201378.4); c.3698T>A, p.Leu1233Gln (NM_201379.3); c.4175T>A, p.Leu1392Gln (NM_201380.4); c.3668T>A, p.Leu1223Gln (NM_201381.3); c.3764T>A, p.Leu1255Gln (NM_201382.4); c.3776T>A, p.Leu1259Gln (NM_201383.3); short protein forms L1223Q, L1233Q, L1241Q, L1255Q, L1259Q, L1282Q, L1392Q.
Identifiers: ClinVar variation 3758109 (VCV003758109.2).

ClinVar aggregate classification (germline): Uncertain significance (1 of 4 stars; one submission).

Conditions:
Epidermolysis bullosa simplex with nail dystrophy (EBS5D). Identifiers: MedGen C4225309, MONDO:0014661, OMIM 616487.
Epidermolysis bullosa simplex, Ogna type (EBS5A). Also called: Pidermolysis bullosa simplex 5A, Ogna type; EPIDERMOLYSIS BULLOSA SIMPLEX 5A, OGNA TYPE. Identifiers: Orphanet 79401, MedGen C0432317, MONDO:0007555, OMIM 131950.
Autosomal recessive limb-girdle muscular dystrophy type 2Q (LGMDR17). Also called: MUSCULAR DYSTROPHY, LIMB-GIRDLE, AUTOSOMAL RECESSIVE 17. Identifiers: Orphanet 254361, MedGen C3150989, MONDO:0013390, OMIM 613723.
Epidermolysis bullosa simplex 5B, with muscular dystrophy (EBS5B). Also called: EPIDERMOLYSIS BULLOSA SIMPLEX AND LIMB-GIRDLE MUSCULAR DYSTROPHY; Epidermolysis bullosa simplex with muscular dystrophy. Identifiers: Orphanet 257, MedGen C2931072, MONDO:0009181, OMIM 226670.
Epidermolysis bullosa simplex 5C, with pyloric atresia (EBS5C). Also called: PLEC-Related Epidermolysis Bullosa with Pyloric Atresia; Epidermolysis bullosa simplex with pyloric atresia; PLEC1-Related Epidermolysis Bullosa with Pyloric Atresia. Identifiers: Orphanet 158684, MedGen C2677349, MONDO:0012807, OMIM 612138.

gnomAD v4.1: 6 of 1,612,900 alleles (0.00037%); highest among the groups gnomAD compares: Non-Finnish European, 0.00051%; no homozygotes.

Submission:

Labcorp Genetics (formerly Invitae), Labcorp
Classification: Uncertain significance for Autosomal recessive limb-girdle muscular dystrophy type 2Q; Epidermolysis bullosa simplex, Ogna type; Epidermolysis bullosa simplex with nail dystrophy; Epidermolysis bullosa simplex 5C, with pyloric atresia; Epidermolysis bullosa simplex 5B, with muscular dystrophy. Last evaluated: 2024-11-11. Review status: criteria provided, single submitter. Criteria: Invitae Variant Classification Sherloc (09022015). Collection method: clinical testing. Allele origin: germline.
Comment: This sequence change replaces leucine, which is neutral and non-polar, with glutamine, which is neutral and polar, at codon 1282 of the PLEC protein (p.Leu1282Gln). This variant is not present in population databases (gnomAD no frequency). This variant has not been reported in the literature in individuals affected with PLEC-related conditions. Invitae Evidence Modeling of protein sequence and biophysical properties (such as structural, functional, and spatial information, amino acid conservation, physicochemical variation, residue mobility, and thermodynamic stability) indicates that this missense variant is not expected to disrupt PLEC protein function with a negative predictive value of 80%. Algorithms developed to predict the effect of sequence changes on RNA splicing suggest that this variant may create or strengthen a splice site. In summary, the available evidence is currently insufficient to determine the role of this variant in disease. Therefore, it has been classified as a Variant of Uncertain Significance.